The following is an entry in ClinVar:

ClinVar aggregate classification (germline): Uncertain significance (1 of 4 stars; one submission).

Conditions:
Cardiac malformation, cleft lip/palate, microcephaly, and digital anomalies. Also called: CLEFT PALATE, CARDIAC DEFECTS, AND IMPAIRED INTELLECTUAL DEVELOPMENT. Identifiers: MedGen C1832950, MONDO:0010970, OMIM 600987.

Submission:

Labcorp Genetics (formerly Invitae), Labcorp
Classification: Uncertain significance for Cardiac malformation, cleft lip/palate, microcephaly, and digital anomalies. Last evaluated: 2025-02-28. Review status: criteria provided, single submitter. Criteria: Invitae Variant Classification Sherloc (09022015). Collection method: clinical testing. Allele origin: germline.
Comment: This sequence change replaces alanine, which is neutral and non-polar, with threonine, which is neutral and polar, at codon 72 of the MEIS2 protein (p.Ala72Thr). This variant is not present in population databases (gnomAD no frequency). This variant has not been reported in the literature in individuals affected with MEIS2-related conditions. Invitae Evidence Modeling of protein sequence and biophysical properties (such as structural, functional, and spatial information, amino acid conservation, physicochemical variation, residue mobility, and thermodynamic stability) indicates that this missense variant is not expected to disrupt MEIS2 protein function with a negative predictive value of 80%. In summary, the available evidence is currently insufficient to determine the role of this variant in disease. Therefore, it has been classified as a Variant of Uncertain Significance.

NM_170675.5(MEIS2):c.214G>A (p.Ala72Thr)

Gene: MEIS2 (Meis homeobox 2; minus strand). Cytogenetic location: 15q14.
Variant type: single nucleotide variant.
Coding change: c.214G>A on transcript NM_170675.5 (MANE Select); coding-DNA position 214, G replaced by A.
Protein change: p.Ala72Thr; replaces alanine 72 with threonine.
Molecular consequence: missense variant. On other transcripts: 5 prime UTR variant (1), non-coding transcript variant (1).
Genome position (GRCh38, 1-based): chr15:37,097,998, C>T on the plus strand (G>A on the coding strand, the complement: MEIS2 is on the minus strand). VCF-style: chr15-37097998-C-T. GRCh37 (hg19) VCF-style: chr15-37390199-C-T.
Other names: c.214G>A, p.Ala72Thr (NM_001220482.2, NM_170674.5, NM_170676.5 and 1 more transcripts); c.175G>A, p.Ala59Thr (NM_002399.4, NM_172315.3); c.-28G>A (NM_172316.3); short protein forms A59T, A72T.
Identifiers: ClinVar variation 4805937 (VCV004805937.1).
Genomic context (GRCh38, chr15:37,097,998, plus strand): 5'-AGTAAGCTGGGTCCGGGGGGTCAGTTTACCCATAGATCGCGTCCTTGTCCCGCTTCAAGG[C>T]GTCGTTGACAGCGGATCCCATACTGGCCGGCATGACATTGGGGTGCGGGGCGTGCGCGCC-3'
Protein context (NP_733775.1, residues 62-82): PASMGSAVND[Ala72Thr]LKRDKDAIYG